The following is an entry in ClinVar:

NM_000222.3(KIT):c.2255T>G (p.Val752Gly)

Gene: KIT (KIT proto-oncogene, receptor tyrosine kinase; plus strand). Cytogenetic location: 4q12.
Variant type: single nucleotide variant.
Coding change: c.2255T>G on transcript NM_000222.3 (MANE Select); coding-DNA position 2255, T replaced by G.
Protein change: p.Val752Gly; replaces valine 752 with glycine.
Molecular consequence: missense variant.
Genome position (GRCh38, 1-based): chr4:54,731,892, T>G. VCF-style: chr4-54731892-T-G. GRCh37 (hg19) VCF-style: chr4-55598058-T-G.
Other names: c.2243T>G, p.Val748Gly (NM_001093772.2, NM_001385292.1); c.2258T>G, p.Val753Gly (NM_001385284.1); c.2252T>G, p.Val751Gly (NM_001385285.1); c.2240T>G, p.Val747Gly (NM_001385286.1); c.2246T>G, p.Val749Gly (NM_001385288.1); c.2255T>G, p.Val752Gly (NM_001385290.1); short protein forms V748G, V752G, V747G, V749G, V751G, V753G.
Identifiers: ClinVar variation 856056 (VCV000856056.13), dbSNP rs758665590, ClinGen allele CA2923704.
Genomic context (GRCh38, chr4:54,731,892, plus strand): 5'-TGGTTGTAATTGCTAAGAAAAATCCTCTCTTCCTCACAGGCTCATACATAGAAAGAGATG[T>G]GACTCCCGCCATCATGGAGGATGACGAGTTGGCCCTAGACTTAGAAGACTTGCTGAGCTT-3'
Protein context (NP_000213.1, residues 742-762): VRIGSYIERD[Val752Gly]TPAIMEDDEL

ClinVar aggregate classification (germline): Conflicting classifications of pathogenicity. Review status: criteria provided, conflicting classifications (1 of 4 stars). 4 submissions from 4 submitters: Uncertain significance (3); Likely benign (1). Last evaluated 2026-05-29.

Conditions:
Gastrointestinal stromal tumor. Also called: Gastrointestinal stromal tumor, somatic; Gastrointestinal stroma tumor. Identifiers: Orphanet 44890, MedGen C0238198, MeSH D046152, MONDO:0011719, OMIM 606764, HP:0100723.
Hereditary cancer-predisposing syndrome. Also called: Neoplastic Syndromes, Hereditary; Tumor predisposition; Hereditary Cancer Syndrome; Hereditary neoplastic syndrome. Identifiers: Orphanet 140162, MedGen C0027672, MeSH D009386, MONDO:0015356.

Allele frequency attached by ClinVar (database versions not stated): gnomAD exomes 0.00002 and 0.00003; ExAC 0.00004.

Submissions (4):

Myriad Genetics, Inc.
Classification: Likely benign for Gastrointestinal stromal tumor. Last evaluated: 2026-05-29. Review status: criteria provided, single submitter. Criteria: Myriad Autosomal Dominant, Autosomal Recessive and X-Linked Classification Criteria (2023). Collection method: clinical testing. Allele origin: unknown.
Comment: This variant is considered likely benign. This variant has been observed at a population frequency that is significantly greater than expected given the associated disease prevalence and penetrance.

Labcorp Genetics (formerly Invitae), Labcorp
Classification: Uncertain significance for Gastrointestinal stromal tumor. Last evaluated: 2026-01-19. Review status: criteria provided, single submitter. Criteria: Invitae Variant Classification Sherloc (09022015). Collection method: clinical testing. Allele origin: germline.
Comment: This sequence change replaces valine, which is neutral and non-polar, with glycine, which is neutral and non-polar, at codon 752 of the KIT protein (p.Val752Gly). This variant is present in population databases (rs758665590, gnomAD 0.004%). This variant has not been reported in the literature in individuals affected with KIT-related conditions. ClinVar contains an entry for this variant (Variation ID: 856056). An algorithm developed to predict the effect of missense changes on protein structure and function (PolyPhen-2) suggests that this variant is likely to be disruptive. In summary, the available evidence is currently insufficient to determine the role of this variant in disease. Therefore, it has been classified as a Variant of Uncertain Significance.

Ambry Genetics
Classification: Uncertain significance for Hereditary cancer-predisposing syndrome. Last evaluated: 2024-06-27. Review status: criteria provided, single submitter. Criteria: Ambry Variant Classification Scheme 2023. Collection method: clinical testing. Allele origin: germline.
Comment: The p.V752G variant (also known as c.2255T>G), located in coding exon 16 of the KIT gene, results from a T to G substitution at nucleotide position 2255. The valine at codon 752 is replaced by glycine, an amino acid with dissimilar properties. This amino acid position is conserved. In addition, the in silico prediction for this alteration is inconclusive. Since supporting evidence is limited at this time, the clinical significance of this alteration remains unclear.

Baylor Genetics
Classification: Uncertain significance for Gastrointestinal stromal tumor. Last evaluated: 2023-06-06. Review status: criteria provided, single submitter. Criteria: ACMG Guidelines, 2015. Collection method: clinical testing. Allele origin: unknown.